The following is an entry in ClinVar:

ClinVar aggregate classification (germline): Benign/Likely benign. Review status: criteria provided, multiple submitters, no conflicts (2 of 4 stars). 2 submissions from 2 submitters: Benign (1); Likely benign (1). Last evaluated 2024-04-03.

Conditions:
Familial adenomatous polyposis 1 (FAP1). Also called: FAMILIAL ADENOMATOUS POLYPOSIS 1, ATTENUATED; POLYPOSIS, ADENOMATOUS INTESTINAL. Identifiers: MedGen C2713442, MONDO:0021056, OMIM 175100. Disease mechanism: loss of function.

Submissions (2):

Myriad Genetics, Inc.
Classification: Benign for Familial adenomatous polyposis 1. Last evaluated: 2024-04-03. Review status: criteria provided, single submitter. Criteria: Myriad Autosomal Dominant, Autosomal Recessive and X-Linked Classification Criteria (2023). Collection method: clinical testing. Allele origin: unknown.
Comment: This variant is considered benign. This variant is a silent/synonymous amino acid change and it is not expected to impact splicing.

Labcorp Genetics (formerly Invitae), Labcorp
Classification: Likely benign for Familial adenomatous polyposis 1. Last evaluated: 2023-10-29. Review status: criteria provided, single submitter. Criteria: Invitae Variant Classification Sherloc (09022015). Collection method: clinical testing. Allele origin: germline.

NM_000038.6(APC):c.6112C>T (p.Leu2038=)

Gene: APC (APC regulator of Wnt signaling pathway; plus strand). Cytogenetic location: 5q22.2.
Variant type: single nucleotide variant.
Coding change: c.6112C>T on transcript NM_000038.6 (MANE Select); coding-DNA position 6112, C replaced by T.
Protein change: p.Leu2038=; no amino-acid change (leucine 2038 retained).
Molecular consequence: synonymous variant.
Genome position (GRCh38, 1-based): chr5:112,841,706, C>T. VCF-style: chr5-112841706-C-T. GRCh37 (hg19) VCF-style: chr5-112177403-C-T.
Other names: c.6112C>T, p.Leu2038= (NM_001127510.3, NM_001354895.2); c.6058C>T, p.Leu2020= (NM_001127511.3); c.6166C>T, p.Leu2056= (NM_001354896.2); c.6142C>T, p.Leu2048= (NM_001354897.2); c.6037C>T, p.Leu2013= (NM_001354898.2); c.6028C>T, p.Leu2010= (NM_001354899.2); c.5989C>T, p.Leu1997= (NM_001354900.2); c.5935C>T, p.Leu1979= (NM_001354901.2); and 5 more.
Identifiers: ClinVar variation 1612162 (VCV001612162.9), dbSNP rs1433119360, ClinGen allele CA446209035.